The following is an entry in ClinVar:

ClinVar aggregate classification (germline): Benign/Likely benign. Review status: criteria provided, multiple submitters, no conflicts (2 of 4 stars). 25 submissions from 25 submitters: Benign (17); Likely benign (2). 6 of the submissions do not count toward it. Last evaluated 2026-02-04.

Conditions:
Breast-ovarian cancer, familial, susceptibility to, 5 (BROVCA5). Identifiers: MedGen C5830615, MONDO:0957530, OMIM 620442.
Fanconi anemia complementation group N. Also called: PALB2-Related Fanconi Anemia. Identifiers: Orphanet 84, MedGen C1835817, MONDO:0012565, OMIM 610832. Disease mechanism: loss of function.
Pancreatic cancer, susceptibility to, 3. Identifiers: Orphanet 1333, MedGen C3150547, MONDO:0013236, OMIM 613348.
Hereditary cancer-predisposing syndrome. Also called: Hereditary neoplastic syndrome; Tumor predisposition; Neoplastic Syndromes, Hereditary; Hereditary Cancer Syndrome. Identifiers: Orphanet 140162, MedGen C0027672, MeSH D009386, MONDO:0015356.
Familial cancer of breast. Also called: hereditary breast carcinoma; Hereditary breast cancer; BREAST CANCER, FAMILIAL. Identifiers: Orphanet 227535, MedGen C0346153, MONDO:0016419, OMIM 114480. Disease mechanism: loss of function.
Hereditary breast ovarian cancer syndrome. Also called: Hereditary breast and ovarian cancer syndrome; Breast and ovarian cancer; Hereditary breast and ovarian cancer syndrome (HBOC); BRCA1- and BRCA2-Associated Hereditary Breast and Ovarian Cancer; Hereditary breast and ovarian cancer; Hereditary breast and/or ovarian cancer syndrome. Identifiers: Orphanet 145, MedGen C0677776, MeSH D061325, MONDO:0003582. Disease mechanism: loss of function.

Allele frequency attached by ClinVar (database versions not stated): ExAC 0.11760; gnomAD 0.12823 and 0.12980; TOPMed 0.13435; ESP Exome Variant Server 0.13483; 1000 Genomes Project 0.15076; 1000 Genomes Project 30x 0.15319; gnomAD exomes 0.09446 and 0.10445.
gnomAD v4.1: 158,402 of 1,613,096 alleles (9.8%); highest among the groups gnomAD compares: African/African-American, 22%; 8,861 homozygotes.

Submissions (25):

Labcorp Genetics (formerly Invitae), Labcorp
Classification: Benign for Familial cancer of breast. Last evaluated: 2026-02-04. Review status: criteria provided, single submitter. Criteria: Invitae Variant Classification Sherloc (09022015). Collection method: clinical testing. Allele origin: germline.

Mayo Clinic Laboratories, Mayo Clinic
Classification: Benign. Last evaluated: 2025-09-17. Review status: criteria provided, single submitter. Criteria: ACMG Guidelines, 2015. Collection method: clinical testing. Allele origin: germline. Observed: 225 variant alleles.
Comment: BA1, BP4_moderate

ARUP Laboratories, Molecular Genetics and Genomics, ARUP Laboratories
Classification: Benign. Last evaluated: 2025-07-30. Review status: criteria provided, single submitter. Criteria: ARUP Molecular Germline Variant Investigation Process 2024. Collection method: clinical testing. Allele origin: germline.

GeneKor MSA
Classification: Benign for Hereditary cancer-predisposing syndrome. Last evaluated: 2025-07-10. Review status: criteria provided, single submitter. Criteria: ACMG Guidelines, 2015. Collection method: clinical testing. Allele origin: germline.

Myriad Genetics, Inc.
Classification: Benign for Familial cancer of breast. Last evaluated: 2025-01-14. Review status: criteria provided, single submitter. Criteria: Myriad Autosomal Dominant, Autosomal Recessive and X-Linked Classification Criteria (2023). Collection method: clinical testing. Allele origin: unknown.
Comment: This variant is considered benign. This variant has been observed at a population frequency that is significantly greater than expected given the associated disease prevalence and penetrance.

Blueprint Genetics
Classification: Benign. Last evaluated: 2024-11-27. Review status: criteria provided, single submitter. Criteria: ACMG Guidelines, 2015. Collection method: clinical testing. Allele origin: germline.

KCCC/NGS Laboratory, Kuwait Cancer Control Center
Classification: Benign for Breast-ovarian cancer, familial, susceptibility to, 5. Last evaluated: 2023-07-07. Review status: criteria provided, single submitter. Criteria: ACMG Guidelines, 2015. Collection method: clinical testing. Allele origin: germline. Affected: yes.

Department of Pathology and Laboratory Medicine, Sinai Health System
Classification: Benign for Fanconi anemia complementation group N; Pancreatic cancer, susceptibility to, 3; Breast-ovarian cancer, familial, susceptibility to, 5. Last evaluated: 2022-06-03. Review status: criteria provided, single submitter. Criteria: ACMG Guidelines, 2015. Collection method: clinical testing. Allele origin: germline. Affected: no.

Fulgent Genetics
Classification: Benign for Familial cancer of breast; Fanconi anemia complementation group N; Pancreatic cancer, susceptibility to, 3. Last evaluated: 2022-05-10. Review status: criteria provided, single submitter. Criteria: ACMG Guidelines, 2015. Collection method: clinical testing. Allele origin: unknown.

National Health Laboratory Service, Universitas Academic Hospital and University of the Free State
Classification: Benign for Hereditary breast ovarian cancer syndrome. Last evaluated: 2022-04-19. Review status: criteria provided, single submitter. Criteria: ACMG Guidelines, 2015. Collection method: clinical testing. Allele origin: germline. Affected: yes. Observed: 121 variant alleles.

Institute of Human Genetics, University of Leipzig Medical Center
Classification: Benign for Familial cancer of breast. Last evaluated: 2019-01-01. Review status: criteria provided, single submitter. Criteria: ACMG Guidelines, 2015. Collection method: clinical testing. Allele origin: unknown. Affected: yes.

Illumina Laboratory Services, Illumina
Classification: Benign for Fanconi anemia complementation group N. Last evaluated: 2018-01-13. Review status: criteria provided, single submitter. Criteria: ICSL Variant Classification Criteria 13 December 2019. Collection method: clinical testing. Allele origin: germline.
Comment: This variant was observed in the ICSL laboratory as part of a predisposition screen in an ostensibly healthy population. It had not been previously curated by ICSL or reported in the Human Gene Mutation Database (HGMD: prior to June 1st, 2018), and was therefore a candidate for classification through an automated scoring system. Utilizing variant allele frequency, disease prevalence and penetrance estimates, and inheritance mode, an automated score was calculated to assess if this variant is too frequent to cause the disease. Based on the score and internal cut-off values, a variant classified as benign is not then subjected to further curation. The score for this variant resulted in a classification of benign for this disease.

Cancer Genetics Laboratory, Peter MacCallum Cancer Centre
Classification: Likely benign for Familial cancer of breast. Last evaluated: 2015-06-01. Review status: criteria provided, single submitter. Criteria: Thompson et al. (Breast Cancer Res. 2015). Collection method: case-control. Allele origin: germline. Affected: yes and no. Observed: 733 variant alleles, 703 heterozygotes, 30 homozygotes.

GeneDx
Classification: Benign. Last evaluated: 2015-03-03. Review status: criteria provided, single submitter. Criteria: GeneDx Variant Classification Process June 2021. Collection method: clinical testing. Allele origin: germline. Affected: yes.
Comment: This variant is associated with the following publications: (PMID: 33169439, 31636395, 31757951, 30521987, 28492530, 29052111, 24728327, 26283626, 27648926, 27153395, 24206657)

Ambry Genetics
Classification: Benign for Hereditary cancer-predisposing syndrome. Last evaluated: 2014-11-18. Review status: criteria provided, single submitter. Criteria: Ambry Variant Classification Scheme 2023. Collection method: clinical testing. Allele origin: germline.

Color Diagnostics, LLC DBA Color Health
Classification: Benign for Hereditary cancer-predisposing syndrome. Last evaluated: 2014-11-04. Review status: criteria provided, single submitter. Criteria: ACMG Guidelines, 2015. Collection method: clinical testing. Allele origin: germline.

Eurofins Ntd Llc (ga)
Classification: Benign. Last evaluated: 2014-10-27. Review status: criteria provided, single submitter. Criteria: EGL Classification Definitions 2015. Collection method: clinical testing. Allele origin: germline. Observed: 1 variant allele, 1 homozygote.

Breakthrough Genomics
Classification: Likely benign. Review status: criteria provided, single submitter. Criteria: ACMG Guidelines, 2015. Collection method: not provided. Allele origin: germline. Inheritance: Autosomal dominant inheritance. Affected: yes.

PreventionGenetics, part of Exact Sciences
Classification: Benign. Review status: criteria provided, single submitter. Criteria: ACMG Guidelines, 2015. Collection method: clinical testing. Allele origin: germline.

Leiden Open Variation Database
Classification: Benign. Last evaluated: 2019-08-07. Review status: no assertion criteria provided. Collection method: curation. Allele origin: germline. Affected: no. Not counted in ClinVar's aggregate classification.
Comment: Curators: Marc Tischkowitz, Arleen D. Auerbach. Submitters to LOVD: Marc Tischkowitz, Maximiliano Zeballos, Yukihide Momozawa.

ITMI
No classification provided. Condition: AllHighlyPenetrant. Last evaluated: 2013-09-19. Review status: no classification provided. Collection method: reference population. Allele origin: germline. Not counted in ClinVar's aggregate classification.
Comment: Please see associated publication for description of ethnicities

Clinical Genetics Laboratory, Department of Pathology, Netherlands Cancer Institute
Classification: Benign. Review status: no assertion criteria provided. Collection method: clinical testing. Allele origin: germline. Affected: yes. Study: VKGL Data-share Consensus. Not counted in ClinVar's aggregate classification.

Diagnostic Laboratory, Department of Genetics, University Medical Center Groningen
Classification: Benign. Review status: no assertion criteria provided. Collection method: clinical testing. Allele origin: germline. Affected: yes. Study: VKGL Data-share Consensus. Not counted in ClinVar's aggregate classification.

Genome Diagnostics Laboratory, University Medical Center Utrecht
Classification: Benign. Review status: no assertion criteria provided. Collection method: clinical testing. Allele origin: germline. Affected: yes. Study: VKGL Data-share Consensus. Not counted in ClinVar's aggregate classification.

Joint Genome Diagnostic Labs from Nijmegen and Maastricht, Radboudumc and MUMC+
Classification: Benign. Review status: no assertion criteria provided. Collection method: clinical testing. Allele origin: germline. Affected: yes. Study: VKGL Data-share Consensus. Not counted in ClinVar's aggregate classification.

Literature cited by the submitters: PubMed 17200668 (cited by Leiden Open Variation Database); PubMed 17200672 (cited by Leiden Open Variation Database); PubMed 17287723 (cited by Leiden Open Variation Database); PubMed 18288683 (cited by Leiden Open Variation Database); PubMed 18302019 (cited by Leiden Open Variation Database); PubMed 18446436 (cited by Leiden Open Variation Database); PubMed 19333784 (cited by Leiden Open Variation Database); PubMed 19763884 (cited by Leiden Open Variation Database); PubMed 20180015 (cited by Leiden Open Variation Database); PubMed 20927582 (cited by Leiden Open Variation Database); PubMed 21113654 (cited by Leiden Open Variation Database); PubMed 21165770 (cited by Leiden Open Variation Database); PubMed 21356067 (cited by Leiden Open Variation Database); PubMed 21365267 (cited by Leiden Open Variation Database); PubMed 21409391 (cited by Leiden Open Variation Database); PubMed 21618343 (cited by Leiden Open Variation Database); PubMed 21932393 (cited by Leiden Open Variation Database); PubMed 22052327 (cited by Leiden Open Variation Database); PubMed 22241545 (cited by Leiden Open Variation Database); PubMed 22310028 (cited by Leiden Open Variation Database); PubMed 23448497 (cited by Leiden Open Variation Database); PubMed 23824750 (cited by Leiden Open Variation Database); PubMed 23935836 (cited by Leiden Open Variation Database); PubMed 23977390 (cited by Leiden Open Variation Database); PubMed 24206657 (cited by Leiden Open Variation Database); PubMed 24556926 (cited by Leiden Open Variation Database); PubMed 24949998 (cited by Leiden Open Variation Database); PubMed 30287823 (cited by Leiden Open Variation Database); PubMed 24728327 (cited by ITMI).

NM_024675.4(PALB2):c.1676A>G (p.Gln559Arg)

Gene: PALB2 (partner and localizer of BRCA2; minus strand). Cytogenetic location: 16p12.2.
Variant type: single nucleotide variant.
Coding change: c.1676A>G on transcript NM_024675.4 (MANE Select); coding-DNA position 1676, A replaced by G.
Protein change: p.Gln559Arg; replaces glutamine 559 with arginine.
Molecular consequence: missense variant.
Genome position (GRCh38, 1-based): chr16:23,634,870, T>C on the plus strand (A>G on the coding strand, the complement: PALB2 is on the minus strand). VCF-style: chr16-23634870-T-C. GRCh37 (hg19) VCF-style: chr16-23646191-T-C.
Other names: NP_078951.2:p.Gln559Arg; short protein forms Q559R.
Identifiers: ClinVar variation 126613 (VCV000126613.58), dbSNP rs152451, ClinGen allele CA161327.